The following is an entry in ClinVar:

NM_002074.5(GNB1):c.353A>T (p.Asp118Val)

Gene: GNB1 (G protein subunit beta 1; minus strand). Cytogenetic location: 1p36.33.
Variant type: single nucleotide variant.
Coding change: c.353A>T on transcript NM_002074.5 (MANE Select); coding-DNA position 353, A replaced by T.
Protein change: p.Asp118Val; replaces aspartic acid 118 with valine.
Molecular consequence: missense variant.
Genome position (GRCh38, 1-based): chr1:1,804,496, T>A on the plus strand (A>T on the coding strand, the complement: GNB1 is on the minus strand). VCF-style: chr1-1804496-T-A. GRCh37 (hg19) VCF-style: chr1-1735935-T-A.
Other names: c.53A>T, p.Asp18Val (NM_001282538.2); c.353A>T, p.Asp118Val (NM_001282539.2); short protein forms D18V, D118V.
Identifiers: ClinVar variation 3632445 (VCV003632445.2).

ClinVar aggregate classification (germline): Uncertain significance (1 of 4 stars; one submission).

Submission:

Labcorp Genetics (formerly Invitae), Labcorp
Classification: Uncertain significance. Last evaluated: 2025-11-25. Review status: criteria provided, single submitter. Criteria: Invitae Variant Classification Sherloc (09022015). Collection method: clinical testing. Allele origin: germline.
Comment: This sequence change replaces aspartic acid, which is acidic and polar, with valine, which is neutral and non-polar, at codon 118 of the GNB1 protein (p.Asp118Val). This variant is not present in population databases (gnomAD no frequency). This variant has not been reported in the literature in individuals affected with GNB1-related conditions. ClinVar contains an entry for this variant (Variation ID: 3632445). Invitae Evidence Modeling of protein sequence and biophysical properties (such as structural, functional, and spatial information, amino acid conservation, physicochemical variation, residue mobility, and thermodynamic stability) indicates that this missense variant is expected to disrupt GNB1 protein function with a positive predictive value of 80%. This variant disrupts the p.Asp118 amino acid residue in GNB1. Other variant(s) that disrupt this residue have been determined to be pathogenic (PMID: 27668284, 28087732, 30194818). This suggests that this residue is clinically significant, and that variants that disrupt this residue are likely to be disease-causing. In summary, the available evidence is currently insufficient to determine the role of this variant in disease. Therefore, it has been classified as a Variant of Uncertain Significance.

Literature cited by the submitters: PubMed 27668284; PubMed 28087732; PubMed 30194818.